The following is an entry in ClinVar:

NM_207352.4(CYP4V2):c.214+9C>A

Gene: CYP4V2 (cytochrome P450 family 4 subfamily V member 2; plus strand). Cytogenetic location: 4q35.1.
Variant type: single nucleotide variant.
Coding change: c.214+9C>A on transcript NM_207352.4 (MANE Select); 9 bases into the intron after coding-DNA position 214, C replaced by A.
Molecular consequence: intron variant.
Genome position (GRCh38, 1-based): chr4:186,192,046, C>A. VCF-style: chr4-186192046-C-A. GRCh37 (hg19) VCF-style: chr4-187113200-C-A.
Other names: c.214+9C>A (NM_207352.3).
Identifiers: ClinVar variation 1990362 (VCV001990362.5), dbSNP rs768506789, ClinGen allele CA3162441.
Genomic context (GRCh38, chr4:186,192,046, plus strand): 5'-CGCGCCTACCCACTGGTGGGCCACGCGCTGCTGATGAAGCCGGACGGGCGAGGTAAGGGC[C>A]GGCGCTCCTCCTGGAGCGCAACGGGGTCCGCAGCCCCGTTCCCACCCTCCGATCAGCCAG-3'

ClinVar aggregate classification (germline): Likely benign. Review status: criteria provided, multiple submitters, no conflicts (2 of 4 stars). 2 submissions from 2 submitters: Likely benign (2). Last evaluated 2025-05-07.

Conditions:
CYP4V2-related disorder. Also called: CYP4V2-related condition; CYP4V2-related disorders.

gnomAD v4.1: 14 of 1,563,948 alleles (0.0009%); highest among the groups gnomAD compares: African/African-American, 0.016%; no homozygotes.

Submissions (2):

Labcorp Genetics (formerly Invitae), Labcorp
Classification: Likely benign. Last evaluated: 2025-05-07. Review status: criteria provided, single submitter. Criteria: Invitae Variant Classification Sherloc (09022015). Collection method: clinical testing. Allele origin: germline.

PreventionGenetics, part of Exact Sciences
Classification: Likely benign for CYP4V2-related condition. Last evaluated: 2025-04-28. Review status: criteria provided, single submitter. Criteria: ACMG Guidelines, 2015. Collection method: clinical testing. Allele origin: germline.
Comment: This variant is classified as likely benign based on ACMG/AMP sequence variant interpretation guidelines (Richards et al. 2015 PMID: 25741868, with internal and published modifications).